The following is an entry in ClinVar:

NM_004984.4(KIF5A):c.2723G>C (p.Ser908Thr)

Gene: KIF5A (kinesin family member 5A; plus strand). Cytogenetic location: 12q13.3.
Variant type: single nucleotide variant.
Coding change: c.2723G>C on transcript NM_004984.4 (MANE Select); coding-DNA position 2723, G replaced by C.
Protein change: p.Ser908Thr; replaces serine 908 with threonine.
Molecular consequence: missense variant.
Genome position (GRCh38, 1-based): chr12:57,581,140, G>C. VCF-style: chr12-57581140-G-C. GRCh37 (hg19) VCF-style: chr12-57974923-G-C.
Other names: c.2456G>C, p.Ser819Thr (NM_001354705.2); short protein forms S819T, S908T.
Identifiers: ClinVar variation 1693310 (VCV001693310.8), dbSNP rs748632605, ClinGen allele CA6653183.

ClinVar aggregate classification (germline): Uncertain significance. Review status: criteria provided, multiple submitters, no conflicts (2 of 4 stars). 2 submissions from 2 submitters: Uncertain significance (2). Last evaluated 2023-07-03.

Conditions:
Spastic paraplegia. Identifiers: MedGen C0037772, HP:0001258.
KIF5A-related amyotrophic lateral sclerosis.

Allele frequency attached by ClinVar (database versions not stated): gnomAD exomes 0.00001; TOPMed 0.00001.
gnomAD v4.1: 18 of 1,614,080 alleles (0.0011%); highest among the groups gnomAD compares: Non-Finnish European, 0.0014%; no homozygotes.

Submissions (2):

Labcorp Genetics (formerly Invitae), Labcorp
Classification: Uncertain significance for Spastic paraplegia. Last evaluated: 2023-07-03. Review status: criteria provided, single submitter. Criteria: Invitae Variant Classification Sherloc (09022015). Collection method: clinical testing. Allele origin: germline.
Comment: In summary, the available evidence is currently insufficient to determine the role of this variant in disease. Therefore, it has been classified as a Variant of Uncertain Significance. Advanced modeling of protein sequence and biophysical properties (such as structural, functional, and spatial information, amino acid conservation, physicochemical variation, residue mobility, and thermodynamic stability) performed at Invitae indicates that this missense variant is not expected to disrupt KIF5A protein function. ClinVar contains an entry for this variant (Variation ID: 1693310). This variant has not been reported in the literature in individuals affected with KIF5A-related conditions. This variant is not present in population databases (gnomAD no frequency). This sequence change replaces serine, which is neutral and polar, with threonine, which is neutral and polar, at codon 908 of the KIF5A protein (p.Ser908Thr).

Illumina Laboratory Services, Illumina
Classification: Uncertain significance for KIF5A-related amyotrophic lateral sclerosis. Last evaluated: 2021-12-02. Review status: criteria provided, single submitter. Criteria: ICSLVariantClassificationCriteria RUGD 01 April 2020. Collection method: clinical testing. Allele origin: unknown.
Comment: The KIF5A c.2723G>C (p.Ser908Thr) missense variant results in the substitution of serine at amino acid position 908 with threonine. To our knowledge, this variant has not been reported in the peer-reviewed literature. This variant is not found in version 2.1.1 or version 3.1.2 of the Genome Aggregation Database. The c.2723G>C variant lies within the kinesin tail domain, which plays a role in cargo binding (Nicolas et al. 2018). Based on the available evidence, the c.2723G>C (p.Ser908Thr) variant is classified as a variant of uncertain significance for KIF5A-related amyotrophic lateral sclerosis.

Literature cited by the submitters: PubMed 29566793 (cited by Illumina Laboratory Services, Illumina).